The following is an entry in ClinVar:

ClinVar aggregate classification (germline): Likely benign (1 of 4 stars; one submission).

Submission:

CeGaT Center for Human Genetics Tuebingen
Classification: Likely benign. Last evaluated: 2026-09-01. Review status: criteria provided, single submitter. Criteria: CeGaT Center For Human Genetics Tuebingen Variant Classification Criteria Version 2. Collection method: clinical testing. Allele origin: germline. Affected: yes. Observed: 2 variant alleles.
Comment: MUC8: BP4, BP7

NC_000012.12:g.132473112G>A

Gene: MUC8 (mucin 8; minus strand). Cytogenetic location: 12q24.33.
Variant type: single nucleotide variant.
Genome position: GRCh38 VCF-style: chr12-132473112-G-A. GRCh37 (hg19) VCF-style: chr12-133049698-G-A.
Identifiers: ClinVar variation 5039162 (VCV005039162.1).